The following is an entry in ClinVar:

ClinVar aggregate classification (germline): Uncertain significance. Review status: criteria provided, multiple submitters, no conflicts (2 of 4 stars). 2 submissions from 2 submitters: Uncertain significance (2). Last evaluated 2020-07-28.

Conditions:
Cardiovascular phenotype. Identifiers: MedGen CN230736.

Allele frequency attached by ClinVar (database versions not stated): gnomAD exomes below 0.00001; TOPMed 0.00001; ExAC 0.00002; gnomAD 0.00003; ESP Exome Variant Server 0.00008.
gnomAD v4.1: 10 of 1,613,646 alleles (0.00062%); highest among the groups gnomAD compares: African/African-American, 0.0053%; no homozygotes.

Submissions (2):

Ambry Genetics
Classification: Uncertain significance for Cardiovascular phenotype. Last evaluated: 2020-07-28. Review status: criteria provided, single submitter. Criteria: Ambry Variant Classification Scheme 2023. Collection method: clinical testing. Allele origin: germline.
Comment: The p.R23268C variant (also known as c.69802C>T), located in coding exon 175 of the TTN gene, results from a C to T substitution at nucleotide position 69802. The arginine at codon 23268 is replaced by cysteine, an amino acid with highly dissimilar properties. This amino acid position is highly conserved in available vertebrate species. In addition, the in silico prediction for this alteration is inconclusive. Since supporting evidence is limited at this time, the clinical significance of this alteration remains unclear.

Eurofins Ntd Llc (ga)
Classification: Uncertain significance. Last evaluated: 2015-08-21. Review status: criteria provided, single submitter. Criteria: EGL Classification Definitions 2015. Collection method: clinical testing. Allele origin: germline. Observed: 1 variant allele, 1 heterozygote.

NM_001267550.2(TTN):c.96997C>T (p.Arg32333Cys)

Genes: TTN-AS1 (TTN antisense RNA 1; plus strand), TTN (titin; minus strand). Cytogenetic location: 2q31.2.
Variant type: single nucleotide variant.
Coding change: c.96997C>T on transcript NM_001267550.2 (MANE Select); coding-DNA position 96997, C replaced by T.
Protein change: p.Arg32333Cys; replaces arginine 32333 with cysteine.
Molecular consequence: missense variant.
Genome position (GRCh38, 1-based): chr2:178,542,857, G>A on the plus strand (C>T on the coding strand, the complement: TTN is on the minus strand). VCF-style: chr2-178542857-G-A. GRCh37 (hg19) VCF-style: chr2-179407584-G-A.
Other names: c.92074C>T, p.Arg30692Cys (NM_001256850.1); c.69802C>T, p.Arg23268Cys (NM_003319.4); c.89293C>T, p.Arg29765Cys (NM_133378.4); c.70177C>T, p.Arg23393Cys (NM_133432.3); c.70378C>T, p.Arg23460Cys (NM_133437.4); short protein forms R29765C, R32333C, R23460C, R23393C, R30692C, R23268C.
Identifiers: ClinVar variation 282629 (VCV000282629.7), dbSNP rs368918455, ClinGen allele CA1986650.